The following is an entry in ClinVar:

ClinVar aggregate classification (germline): Uncertain significance. Review status: criteria provided, multiple submitters, no conflicts (2 of 4 stars). 3 submissions from 3 submitters: Uncertain significance (3). Last evaluated 2025-11-25.

Conditions:
Inborn genetic diseases. Identifiers: MedGen C0950123, MeSH D030342.
Neuromuscular disease caused by qualitative or quantitative defects of dysferlin. Also called: Qualitative or quantitative defects of dysferlin; Dysferlinopathy. Identifiers: Orphanet 207073, MedGen C2931687, MONDO:0016145.

Allele frequency attached by ClinVar (database versions not stated): gnomAD 0.00001; TOPMed 0.00001; ESP Exome Variant Server 0.00008.
gnomAD v4.1: 23 of 1,613,912 alleles (0.0014%); highest among the groups gnomAD compares: Non-Finnish European, 0.0019%; no homozygotes.

Submissions (3):

Ambry Genetics
Classification: Uncertain significance for Inborn genetic diseases. Last evaluated: 2025-11-25. Review status: criteria provided, single submitter. Criteria: Ambry Variant Classification Scheme 2023. Collection method: clinical testing. Allele origin: germline.

Revvity Omics, Revvity
Classification: Uncertain significance. Last evaluated: 2023-02-03. Review status: criteria provided, single submitter. Criteria: ACMG Guidelines, 2015. Collection method: clinical testing. Allele origin: germline.

Labcorp Genetics (formerly Invitae), Labcorp
Classification: Uncertain significance for Neuromuscular disease caused by qualitative or quantitative defects of dysferlin. Last evaluated: 2022-01-06. Review status: criteria provided, single submitter. Criteria: Invitae Variant Classification Sherloc (09022015). Collection method: clinical testing. Allele origin: germline.
Comment: This sequence change replaces isoleucine, which is neutral and non-polar, with serine, which is neutral and polar, at codon 254 of the DYSF protein (p.Ile254Ser). This variant is present in population databases (rs375448108, gnomAD 0.003%). This variant has not been reported in the literature in individuals affected with DYSF-related conditions. Algorithms developed to predict the effect of missense changes on protein structure and function are either unavailable or do not agree on the potential impact of this missense change (SIFT: "Deleterious"; PolyPhen-2: "Probably Damaging"; Align-GVGD: "Class C0"). In summary, the available evidence is currently insufficient to determine the role of this variant in disease. Therefore, it has been classified as a Variant of Uncertain Significance.

NM_001130987.2(DYSF):c.857T>G (p.Ile286Ser)

Gene: DYSF (dysferlin; plus strand). Cytogenetic location: 2p13.2.
Variant type: single nucleotide variant.
Coding change: c.857T>G on transcript NM_001130987.2 (MANE Select); coding-DNA position 857, T replaced by G.
Protein change: p.Ile286Ser; replaces isoleucine 286 with serine.
Molecular consequence: missense variant.
Genome position (GRCh38, 1-based): chr2:71,515,720, T>G. VCF-style: chr2-71515720-T-G. GRCh37 (hg19) VCF-style: chr2-71742850-T-G.
Other names: c.761T>G, p.Ile254Ser (NM_001130977.2, NM_001130978.2, NM_001130976.2 and 1 more transcripts); c.854T>G, p.Ile285Ser (NM_001130979.2, NM_001130980.2, NM_001130981.2); c.764T>G, p.Ile255Ser (NM_001130455.2, NM_001130983.2, NM_001130984.2 and 1 more transcripts); c.857T>G, p.Ile286Ser (NM_001130982.2, NM_001130985.2); c.761T>G (NM_003494.3); short protein forms I254S, I255S, I286S, I285S.
Identifiers: ClinVar variation 1446576 (VCV001446576.6), dbSNP rs375448108, ClinGen allele CA49760567.
Genomic context (GRCh38, chr2:71,515,720, plus strand): 5'-GGGTGAACATCAAGCCTGTGGTCAAGGTTACCGCTGCAGGGCAGACCAAGCGGACGCGGA[T>G]CCACAAGGGAAACAGCCCACTCTTCAATGAGGTGGGAGACATGGGGCATGAGGGCCAGAA-3'
Protein context (NP_001124459.1, residues 276-296): TAAGQTKRTR[Ile286Ser]HKGNSPLFNE